The following is an entry in ClinVar:

NM_000552.5(VWF):c.1958C>T (p.Pro653Leu)

Gene: VWF (von Willebrand factor; minus strand). Cytogenetic location: 12p13.31.
Variant type: single nucleotide variant.
Coding change: c.1958C>T on transcript NM_000552.5 (MANE Select); coding-DNA position 1958, C replaced by T.
Protein change: p.Pro653Leu; replaces proline 653 with leucine.
Molecular consequence: missense variant.
Genome position (GRCh38, 1-based): chr12:6,052,771, G>A on the plus strand (C>T on the coding strand, the complement: VWF is on the minus strand). VCF-style: chr12-6052771-G-A. GRCh37 (hg19) VCF-style: chr12-6161937-G-A.
Other names: short protein forms P653L.
Identifiers: ClinVar variation 4848144 (VCV004848144.1).

ClinVar aggregate classification (germline): Uncertain significance (1 of 4 stars; one submission).

gnomAD v4.1: 28 of 1,598,810 alleles (0.0018%); highest among the groups gnomAD compares: East Asian, 0.029%; no homozygotes.

Submission:

Women's Health and Genetics/Laboratory Corporation of America, LabCorp
Classification: Uncertain significance. Last evaluated: 2026-02-24. Review status: criteria provided, single submitter. Criteria: LabCorp Variant Classification Summary - May 2015. Collection method: clinical testing. Allele origin: germline.
Comment: Variant summary: VWF c.1958C>T (p.Pro653Leu) results in a non-conservative amino acid change in the encoded protein sequence. Algorithms developed to predict the effect of missense changes on protein structure and function all suggest that this variant is likely to be disruptive. The variant allele was found at a frequency of 3.2e-05 in 248620 control chromosomes. The available data on variant occurrences in the general population are insufficient to allow any conclusion about variant significance. To our knowledge, no occurrence of c.1958C>T in individuals affected with VWF-related conditions and no experimental evidence demonstrating its impact on protein function have been reported. No submitters have cited clinical-significance assessments for this variant to ClinVar. Based on the evidence outlined above, the variant was classified as uncertain significance.